The following is an entry in ClinVar:

ClinVar aggregate classification (germline): Pathogenic. Review status: criteria provided, multiple submitters, no conflicts (2 of 4 stars). 3 submissions from 3 submitters: Pathogenic (3). Last evaluated 2024-11-25.

Conditions:
Familial cancer of breast. Also called: hereditary breast carcinoma; Hereditary breast cancer; BREAST CANCER, FAMILIAL. Identifiers: Orphanet 227535, MedGen C0346153, MONDO:0016419, OMIM 114480. Disease mechanism: loss of function.
Hereditary cancer-predisposing syndrome. Also called: Neoplastic Syndromes, Hereditary; Tumor predisposition; Hereditary Cancer Syndrome; Hereditary neoplastic syndrome. Identifiers: Orphanet 140162, MedGen C0027672, MeSH D009386, MONDO:0015356.

Submissions (3):

Ambry Genetics
Classification: Pathogenic for Hereditary cancer-predisposing syndrome. Last evaluated: 2024-11-25. Review status: criteria provided, single submitter. Criteria: Ambry Variant Classification Scheme 2023. Collection method: clinical testing. Allele origin: germline.
Comment: The c.2999_3001delGCAinsAC pathogenic mutation, located in coding exon 10 of the PALB2 gene, results from the deletion of 3 nucleotides and insertion of two nucleotides causing a translational frameshift with a predicted alternate stop codon (p.G1000Dfs*7). This alteration is expected to result in loss of function by premature protein truncation or nonsense-mediated mRNA decay. As such, this alteration is interpreted as a disease-causing mutation.

Myriad Genetics, Inc.
Classification: Pathogenic for Familial cancer of breast. Last evaluated: 2023-09-14. Review status: criteria provided, single submitter. Criteria: Myriad Autosomal Dominant, Autosomal Recessive and X-Linked Classification Criteria (2023). Collection method: clinical testing. Allele origin: unknown.
Comment: This variant is considered pathogenic. This variant creates a frameshift predicted to result in premature protein truncation.

Labcorp Genetics (formerly Invitae), Labcorp
Classification: Pathogenic for Familial cancer of breast. Last evaluated: 2020-10-21. Review status: criteria provided, single submitter. Criteria: Invitae Variant Classification Sherloc (09022015). Collection method: clinical testing. Allele origin: germline.
Comment: For these reasons, this variant has been classified as Pathogenic. Loss-of-function variants in PALB2 are known to be pathogenic (PMID: 17200668, 24136930, 25099575). This variant has not been reported in the literature in individuals with PALB2-related disease. This variant is not present in population databases (ExAC no frequency). This sequence change creates a premature translational stop signal (p.Gly1000Aspfs*7) in the PALB2 gene. It is expected to result in an absent or disrupted protein product.

Literature cited by the submitters: PubMed 17200668 (cited by Labcorp Genetics (formerly Invitae), Labcorp); PubMed 24136930 (cited by Labcorp Genetics (formerly Invitae), Labcorp); PubMed 25099575 (cited by Labcorp Genetics (formerly Invitae), Labcorp).

NM_024675.4(PALB2):c.2999_3001delinsAC (p.Gly1000fs)

Gene: PALB2 (partner and localizer of BRCA2; minus strand). Cytogenetic location: 16p12.2.
Variant type: Indel.
Coding change: c.2999_3001delinsAC on transcript NM_024675.4 (MANE Select); coding-DNA positions 2999 to 3001, GCA replaced by AC.
Protein change: p.Gly1000fs; shifts the reading frame from glycine 1000.
Molecular consequence: frameshift variant.
Genome position (GRCh38, 1-based): chr16:23,621,474-23,621,476, TGC replaced by GT on the plus strand (GCA replaced by AC on the coding strand, the reverse complement: PALB2 is on the minus strand). VCF-style: chr16-23621474-TGC-GT. GRCh37 (hg19) VCF-style: chr16-23632795-TGC-GT.
Other names: c.2999_3001delGCAinsAC (NM_024675.3); short protein forms G1000fs.
Identifiers: ClinVar variation 648347 (VCV000648347.10), dbSNP rs1597079941, ClinGen allele CA915949168.